The following is an entry in ClinVar:

NM_022356.4(P3H1):c.26T>C (p.Leu9Pro)

Gene: P3H1 (prolyl 3-hydroxylase 1; minus strand). Cytogenetic location: 1p34.2.
Variant type: single nucleotide variant.
Coding change: c.26T>C on transcript NM_022356.4 (MANE Select); coding-DNA position 26, T replaced by C.
Protein change: p.Leu9Pro; replaces leucine 9 with proline.
Molecular consequence: missense variant.
Genome position (GRCh38, 1-based): chr1:42,766,946, A>G on the plus strand (T>C on the coding strand, the complement: P3H1 is on the minus strand). VCF-style: chr1-42766946-A-G. GRCh37 (hg19) VCF-style: chr1-43232617-A-G.
Other names: c.26T>C, p.Leu9Pro (NM_001146289.2, NM_001243246.2); short protein forms L9P.
Identifiers: ClinVar variation 3068758 (VCV003068758.2), dbSNP rs1302617531, ClinGen allele CA339964273.

ClinVar aggregate classification (germline): Uncertain significance (1 of 4 stars; one submission).

Allele frequency attached by ClinVar (database versions not stated): gnomAD exomes below 0.00001; TOPMed below 0.00001.
gnomAD v4.1: 7 of 1,609,288 alleles (0.00043%); highest among the groups gnomAD compares: African/African-American, 0.0013%; no homozygotes.

Submission:

Women's Health and Genetics/Laboratory Corporation of America, LabCorp
Classification: Uncertain significance. Last evaluated: 2024-02-12. Review status: criteria provided, single submitter. Criteria: LabCorp Variant Classification Summary - May 2015. Collection method: clinical testing. Allele origin: germline.
Comment: Variant summary: P3H1 c.26T>C (p.Leu9Pro) results in a non-conservative amino acid change in the encoded protein sequence. Four of five in-silico tools predict a damaging effect of the variant on protein function. The variant was absent in 236522 control chromosomes (gnomAD). The available data on variant occurrences in the general population are insufficient to allow any conclusion about variant significance. c.26T>C has been reported in the literature in individuals affected with Osteogenesis Imperfecta (Mohd Nawawi_2018). These reports do not provide unequivocal conclusions about association of the variant with Osteogenesis Imperfecta. To our knowledge, no experimental evidence demonstrating an impact on protein function has been reported. The following publication have been ascertained in the context of this evaluation (PMID: 29807018). No submitters have cited clinical-significance assessments for this variant to ClinVar. Based on the evidence outlined above, the variant was classified as uncertain significance.

Literature cited by the submitters: PubMed 29807018.